The following is an entry in ClinVar:

ClinVar aggregate classification (germline): Uncertain significance (1 of 4 stars; one submission).

Allele frequency attached by ClinVar (database versions not stated): ExAC 0.00001.
gnomAD v4.1: 1 of 1,614,174 alleles (0.000062%); highest among the groups gnomAD compares: Admixed American, 0.0017%; no homozygotes.

Submission:

Labcorp Genetics (formerly Invitae), Labcorp
Classification: Uncertain significance. Last evaluated: 2022-02-28. Review status: criteria provided, single submitter. Criteria: Invitae Variant Classification Sherloc (09022015). Collection method: clinical testing. Allele origin: germline.
Comment: Algorithms developed to predict the effect of missense changes on protein structure and function are either unavailable or do not agree on the potential impact of this missense change (SIFT: "Not Available"; PolyPhen-2: "Benign"; Align-GVGD: "Not Available"). In summary, the available evidence is currently insufficient to determine the role of this variant in disease. Therefore, it has been classified as a Variant of Uncertain Significance. This variant has not been reported in the literature in individuals affected with ADNP-related conditions. This variant is present in population databases (rs778969303, gnomAD 0.003%). This sequence change replaces glycine, which is neutral and non-polar, with valine, which is neutral and non-polar, at codon 890 of the ADNP protein (p.Gly890Val).

NM_001282531.3(ADNP):c.2669G>T (p.Gly890Val)

Gene: ADNP (activity dependent neuroprotector homeobox; minus strand). Cytogenetic location: 20q13.13.
Variant type: single nucleotide variant.
Coding change: c.2669G>T on transcript NM_001282531.3 (MANE Select); coding-DNA position 2669, G replaced by T.
Protein change: p.Gly890Val; replaces glycine 890 with valine.
Molecular consequence: missense variant.
Genome position (GRCh38, 1-based): chr20:50,892,045, C>A on the plus strand (G>T on the coding strand, the complement: ADNP is on the minus strand). VCF-style: chr20-50892045-C-A. GRCh37 (hg19) VCF-style: chr20-49508582-C-A.
Other names: c.2669G>T, p.Gly890Val (NM_001282532.2, NM_001347511.2, NM_015339.5 and 1 more transcripts); short protein forms G890V.
Identifiers: ClinVar variation 2064858 (VCV002064858.4), dbSNP rs778969303, ClinGen allele CA9908544.
Genomic context (GRCh38, chr20:50,892,045, plus strand): 5'-TCCTCTGGGTTATCGTTAGAGATTTTAGGTTCAACTTCAAAAACAGGGTCAAAAGGGCTA[C>A]CACTTTCATTGGATTCTTCTTCCAAATTTTCAAAACTGTCTGAGGAACTGTCATCTTCCT-3'
Protein context (NP_001269460.1, residues 880-900): ENLEEESNES[Gly890Val]SPFDPVFEVE